The following is an entry in ClinVar:

ClinVar aggregate classification (germline): Uncertain significance. Review status: criteria provided, multiple submitters, no conflicts (2 of 4 stars). 2 submissions from 2 submitters: Uncertain significance (2). Last evaluated 2025-05-04.

gnomAD v4.1: 13 of 1,579,928 alleles (0.00082%); highest among the groups gnomAD compares: African/African-American, 0.004%; no homozygotes.

Submissions (2):

Ambry Genetics
Classification: Uncertain significance. Last evaluated: 2025-05-04. Review status: criteria provided, single submitter. Criteria: Ambry Variant Classification Scheme 2023. Collection method: clinical testing. Allele origin: germline.

Labcorp Genetics (formerly Invitae), Labcorp
Classification: Uncertain significance. Last evaluated: 2024-05-22. Review status: criteria provided, single submitter. Criteria: Invitae Variant Classification Sherloc (09022015). Collection method: clinical testing. Allele origin: germline.
Comment: This sequence change replaces proline, which is neutral and non-polar, with leucine, which is neutral and non-polar, at codon 825 of the MKL1 protein (p.Pro825Leu). This variant is present in population databases (no rsID available, gnomAD 0.002%). This variant has not been reported in the literature in individuals affected with MKL1-related conditions. An algorithm developed to predict the effect of missense changes on protein structure and function (PolyPhen-2) suggests that this variant is likely to be disruptive. In summary, the available evidence is currently insufficient to determine the role of this variant in disease. Therefore, it has been classified as a Variant of Uncertain Significance.

NM_020831.6(MRTFA):c.2774C>T (p.Pro925Leu)

Gene: MRTFA (myocardin related transcription factor A; minus strand). Cytogenetic location: 22q13.1.
Variant type: single nucleotide variant.
Coding change: c.2774C>T on transcript NM_020831.6 (MANE Select); coding-DNA position 2774, C replaced by T.
Protein change: p.Pro925Leu; replaces proline 925 with leucine.
Molecular consequence: missense variant. On other transcripts: 3 prime UTR variant (1).
Genome position (GRCh38, 1-based): chr22:40,411,712, G>A on the plus strand (C>T on the coding strand, the complement: MRTFA is on the minus strand). VCF-style: chr22-40411712-G-A. GRCh37 (hg19) VCF-style: chr22-40807716-G-A.
Other names: c.2474C>T (NM_020831.3); c.2474C>T, p.Pro825Leu (NM_001282660.2); c.2624C>T, p.Pro875Leu (NM_001282661.3); c.*87C>T (NM_001282662.3); c.2579C>T, p.Pro860Leu (NM_001318139.2); short protein forms P860L, P875L, P825L, P925L.
Identifiers: ClinVar variation 3698734 (VCV003698734.3).
Genomic context (GRCh38, chr22:40,411,712, plus strand): 5'-CTATGGAGGTCGTCAATGAGGGAAAGGGGCTCTGGCCCGTCATGCCCACTGGTCAGCAGG[G>A]GCAGCCCCGTGCTGCTCTCCAGGAAGTCCTCCAGGCGTCCAGGGAGGGAGGGTGAGCCTG-3'
Protein context (NP_065882.2, residues 915-935): EDFLESSTGL[Pro925Leu]LLTSGHDGPE